The following is an entry in ClinVar:

NM_006904.7(PRKDC):c.8337C>A (p.Asp2779Glu)

Gene: PRKDC (protein kinase, DNA-activated, catalytic subunit; minus strand). Cytogenetic location: 8q11.21.
Variant type: single nucleotide variant.
Coding change: c.8337C>A on transcript NM_006904.7 (MANE Select); coding-DNA position 8337, C replaced by A.
Protein change: p.Asp2779Glu; replaces aspartic acid 2779 with glutamic acid.
Molecular consequence: missense variant.
Genome position (GRCh38, 1-based): chr8:47,830,665, G>T on the plus strand (C>A on the coding strand, the complement: PRKDC is on the minus strand). VCF-style: chr8-47830665-G-T. GRCh37 (hg19) VCF-style: chr8-48743226-G-T.
Other names: c.8337C>A, p.Asp2779Glu (NM_001081640.2); short protein forms D2779E.
Identifiers: ClinVar variation 2841153 (VCV002841153.3), dbSNP rs747942981, ClinGen allele CA371146947.

ClinVar aggregate classification (germline): Uncertain significance (1 of 4 stars; one submission).

Conditions:
Severe combined immunodeficiency due to DNA-PKcs deficiency. Also called: IMMUNODEFICIENCY 26 WITH NEUROLOGIC ABNORMALITIES; Immunodeficiency 26 with or without neurologic abnormalities. Identifiers: Orphanet 317425, MedGen C4014833, MONDO:0014423, OMIM 615966.

Allele frequency attached by ClinVar (database versions not stated): 1000 Genomes Project 30x 0.00016.
gnomAD v4.1: 2 of 1,613,956 alleles (0.00012%); highest among the groups gnomAD compares: Non-Finnish European, 0.000085%; no homozygotes.

Submission:

Labcorp Genetics (formerly Invitae), Labcorp
Classification: Uncertain significance for Severe combined immunodeficiency due to DNA-PKcs deficiency. Last evaluated: 2023-02-26. Review status: criteria provided, single submitter. Criteria: Invitae Variant Classification Sherloc (09022015). Collection method: clinical testing. Allele origin: germline.
Comment: In summary, the available evidence is currently insufficient to determine the role of this variant in disease. Therefore, it has been classified as a Variant of Uncertain Significance. Advanced modeling of protein sequence and biophysical properties (such as structural, functional, and spatial information, amino acid conservation, physicochemical variation, residue mobility, and thermodynamic stability) performed at Invitae indicates that this missense variant is not expected to disrupt PRKDC protein function. This variant has not been reported in the literature in individuals affected with PRKDC-related conditions. This variant is not present in population databases (gnomAD no frequency). This sequence change replaces aspartic acid, which is acidic and polar, with glutamic acid, which is acidic and polar, at codon 2779 of the PRKDC protein (p.Asp2779Glu).